The following is an entry in ClinVar:

ClinVar aggregate classification (germline): Uncertain significance. Review status: criteria provided, multiple submitters, no conflicts (2 of 4 stars). 3 submissions from 3 submitters: Uncertain significance (3). Last evaluated 2026-06-24.

Conditions:
Inborn genetic diseases. Identifiers: MedGen C0950123, MeSH D030342.

Allele frequency attached by ClinVar (database versions not stated): gnomAD exomes 0.00002; gnomAD 0.00003; TOPMed 0.00006.
gnomAD v4.1: 14 of 1,613,786 alleles (0.00087%); highest among the groups gnomAD compares: Admixed American, 0.018%; no homozygotes.

Submissions (3):

Ambry Genetics
Classification: Uncertain significance for Inborn genetic diseases. Last evaluated: 2026-06-24. Review status: criteria provided, single submitter. Criteria: Ambry Variant Classification Scheme 2023. Collection method: clinical testing. Allele origin: germline.

Blueprint Genetics
Classification: Uncertain significance. Last evaluated: 2022-06-20. Review status: criteria provided, single submitter. Criteria: ACMG Guidelines, 2015. Collection method: clinical testing. Allele origin: germline.

Labcorp Genetics (formerly Invitae), Labcorp
Classification: Uncertain significance. Last evaluated: 2021-10-11. Review status: criteria provided, single submitter. Criteria: Invitae Variant Classification Sherloc (09022015). Collection method: clinical testing. Allele origin: germline.
Comment: This sequence change replaces isoleucine with lysine at codon 681 of the RP1 protein (p.Ile681Lys). The isoleucine residue is highly conserved and there is a moderate physicochemical difference between isoleucine and lysine. This variant is not present in population databases (ExAC no frequency). This variant has not been reported in the literature in individuals affected with RP1-related conditions. Algorithms developed to predict the effect of missense changes on protein structure and function output the following: SIFT: "Deleterious"; PolyPhen-2: "Benign"; Align-GVGD: "Class C35". The lysine amino acid residue is found in multiple mammalian species, which suggests that this missense change does not adversely affect protein function. In summary, the available evidence is currently insufficient to determine the role of this variant in disease. Therefore, it has been classified as a Variant of Uncertain Significance.

NM_006269.2(RP1):c.2042T>A (p.Ile681Lys)

Gene: RP1 (RP1 axonemal microtubule associated; plus strand). Cytogenetic location: 8q12.1.
Variant type: single nucleotide variant.
Coding change: c.2042T>A on transcript NM_006269.2 (MANE Select); coding-DNA position 2042, T replaced by A.
Protein change: p.Ile681Lys; replaces isoleucine 681 with lysine.
Molecular consequence: missense variant. On other transcripts: intron variant (1).
Genome position (GRCh38, 1-based): chr8:54,625,924, T>A. VCF-style: chr8-54625924-T-A. GRCh37 (hg19) VCF-style: chr8-55538484-T-A.
Other names: c.787+3636T>A (NM_001375654.1); c.2042T>A (NM_006269.1); short protein forms I681K.
Identifiers: ClinVar variation 1403616 (VCV001403616.5), dbSNP rs966147989, ClinGen allele CA177236998.